The following is an entry in ClinVar:

NM_004990.4(MARS1):c.1409C>T (p.Pro470Leu)

Gene: MARS1 (methionyl-tRNA synthetase 1; plus strand). Cytogenetic location: 12q13.3.
Variant type: single nucleotide variant.
Coding change: c.1409C>T on transcript NM_004990.4 (MANE Select); coding-DNA position 1409, C replaced by T.
Protein change: p.Pro470Leu; replaces proline 470 with leucine.
Molecular consequence: missense variant.
Genome position (GRCh38, 1-based): chr12:57,511,738, C>T. VCF-style: chr12-57511738-C-T. GRCh37 (hg19) VCF-style: chr12-57905521-C-T.
Other names: short protein forms P470L.
Identifiers: ClinVar variation 4997031 (VCV004997031.1).
Genomic context (GRCh38, chr12:57,511,738, plus strand): 5'-CTCTTTCTCCGTTATCTCAGCTGGAGAAGCGACTGGAGGAGTGGTTGGGGAGGACATTGC[C>T]TGGCAGTGACTGGACACCCAATGCCCAGTTTATCACCCGTTCTTGGCTTCGGGATGGCCT-3'
Protein context (NP_004981.2, residues 460-480): RLEEWLGRTL[Pro470Leu]GSDWTPNAQF

ClinVar aggregate classification (germline): Uncertain significance (1 of 4 stars; one submission).

Conditions:
MARS1-related disorder. Also called: MARS1-related condition.

gnomAD v4.1: 1 of 1,614,226 alleles (0.000062%); highest among the groups gnomAD compares: South Asian, 0.0011%; no homozygotes.

Submission:

PreventionGenetics, part of Exact Sciences
Classification: Uncertain significance for MARS1-related condition. Last evaluated: 2026-02-22. Review status: criteria provided, single submitter. Criteria: ACMG Guidelines, 2015. Collection method: clinical testing. Allele origin: germline.
Comment: The MARS1 c.1409C>T variant is predicted to result in the amino acid substitution p.Pro470Leu. To our knowledge, this variant has not been reported in the literature. This variant is reported in 0.0033% of alleles in individuals of South Asian descent in gnomAD. At this time, the clinical significance of this variant is uncertain due to the absence of conclusive functional and genetic evidence.